The following is an entry in ClinVar:

NM_000088.4(COL1A1):c.1438C>G (p.Leu480Val)

Gene: COL1A1 (collagen type I alpha 1 chain; minus strand). Cytogenetic location: 17q21.33.
Variant type: single nucleotide variant.
Coding change: c.1438C>G on transcript NM_000088.4 (MANE Select); coding-DNA position 1438, C replaced by G.
Protein change: p.Leu480Val; replaces leucine 480 with valine.
Molecular consequence: missense variant.
Genome position (GRCh38, 1-based): chr17:50,194,744, G>C on the plus strand (C>G on the coding strand, the complement: COL1A1 is on the minus strand). VCF-style: chr17-50194744-G-C. GRCh37 (hg19) VCF-style: chr17-48272105-G-C.
Other names: short protein forms L480V.
Identifiers: ClinVar variation 2981415 (VCV002981415.3), dbSNP rs1216694327, ClinGen allele CA400217676.

ClinVar aggregate classification (germline): Uncertain significance (1 of 4 stars; one submission).

Conditions:
Osteogenesis imperfecta type I (OI1). Also called: Lobstein's Disease; Lobstein disease; Classic Non-deforming Osteogenesis Imperfecta with Blue Sclerae; OI, TYPE I; OSTEOGENESIS IMPERFECTA TARDA; OSTEOGENESIS IMPERFECTA WITH BLUE SCLERAE. Identifiers: Orphanet 216796, Orphanet 666, MedGen C0023931, MONDO:0008146, OMIM 166200. Disease mechanism: loss of function.

Submission:

Labcorp Genetics (formerly Invitae), Labcorp
Classification: Uncertain significance for Osteogenesis imperfecta type I. Last evaluated: 2022-12-12. Review status: criteria provided, single submitter. Criteria: Invitae Variant Classification Sherloc (09022015). Collection method: clinical testing. Allele origin: germline.
Comment: This sequence change replaces leucine, which is neutral and non-polar, with valine, which is neutral and non-polar, at codon 480 of the COL1A1 protein (p.Leu480Val). This variant is not present in population databases (gnomAD no frequency). This variant has not been reported in the literature in individuals affected with COL1A1-related conditions. Advanced modeling of protein sequence and biophysical properties (such as structural, functional, and spatial information, amino acid conservation, physicochemical variation, residue mobility, and thermodynamic stability) performed at Invitae indicates that this missense variant is not expected to disrupt COL1A1 protein function. In summary, the available evidence is currently insufficient to determine the role of this variant in disease. Therefore, it has been classified as a Variant of Uncertain Significance.